The following is an entry in ClinVar:

ClinVar aggregate classification (germline): Uncertain significance. Review status: criteria provided, multiple submitters, no conflicts (2 of 4 stars). 2 submissions from 2 submitters: Uncertain significance (2). Last evaluated 2024-12-27.

Conditions:
Inborn genetic diseases. Identifiers: MedGen C0950123, MeSH D030342.

gnomAD v4.1: 24 of 1,414,950 alleles (0.0017%); highest among the groups gnomAD compares: Non-Finnish European, 0.0021%; no homozygotes.

Submissions (2):

Labcorp Genetics (formerly Invitae), Labcorp
Classification: Uncertain significance. Last evaluated: 2024-12-27. Review status: criteria provided, single submitter. Criteria: Invitae Variant Classification Sherloc (09022015). Collection method: clinical testing. Allele origin: germline.
Comment: This sequence change replaces alanine, which is neutral and non-polar, with threonine, which is neutral and polar, at codon 13 of the KDM1A protein (p.Ala13Thr). The frequency data for this variant in the population databases is considered unreliable, as metrics indicate poor data quality at this position in the gnomAD database. This variant has not been reported in the literature in individuals affected with KDM1A-related conditions. An algorithm developed to predict the effect of missense changes on protein structure and function (PolyPhen-2) suggests that this variant is likely to be tolerated. In summary, the available evidence is currently insufficient to determine the role of this variant in disease. Therefore, it has been classified as a Variant of Uncertain Significance.

Ambry Genetics
Classification: Uncertain significance for Inborn genetic diseases. Last evaluated: 2024-12-08. Review status: criteria provided, single submitter. Criteria: Ambry Variant Classification Scheme 2023. Collection method: clinical testing. Allele origin: germline.
Comment: The p.A13T variant (also known as c.37G>A), located in coding exon 1 of the KDM1A gene, results from a G to A substitution at nucleotide position 37. The alanine at codon 13 is replaced by threonine, an amino acid with similar properties. This amino acid position is conserved. In addition, this alteration is predicted to be tolerated by in silico analysis. Based on the available evidence, the clinical significance of this variant remains unclear.

NM_001009999.3(KDM1A):c.37G>A (p.Ala13Thr)

Gene: KDM1A (lysine demethylase 1A; plus strand). Cytogenetic location: 1p36.12.
Variant type: single nucleotide variant.
Coding change: c.37G>A on transcript NM_001009999.3 (MANE Select); coding-DNA position 37, G replaced by A.
Protein change: p.Ala13Thr; replaces alanine 13 with threonine.
Molecular consequence: missense variant.
Genome position (GRCh38, 1-based): chr1:23,019,633, G>A. VCF-style: chr1-23019633-G-A. GRCh37 (hg19) VCF-style: chr1-23346126-G-A.
Other names: c.37G>A, p.Ala13Thr (NM_001363654.2, NM_001410762.1, NM_001410763.1 and 1 more transcripts); short protein forms A13T.
Identifiers: ClinVar variation 3532980 (VCV003532980.3).